The following is an entry in ClinVar:

NM_000388.4(CASR):c.1164G>A (p.Ser388=)

Gene: CASR (calcium sensing receptor; plus strand). Cytogenetic location: 3q21.1.
Variant type: single nucleotide variant.
Coding change: c.1164G>A on transcript NM_000388.4 (MANE Select); coding-DNA position 1164, G replaced by A.
Protein change: p.Ser388=; no amino-acid change (serine 388 retained).
Molecular consequence: synonymous variant.
Genome position (GRCh38, 1-based): chr3:122,262,199, G>A. VCF-style: chr3-122262199-G-A. GRCh37 (hg19) VCF-style: chr3-121981046-G-A.
Other names: c.1164G>A (NM_001178065.1); c.1164G>A, p.Ser388= (NM_001178065.2).
Identifiers: ClinVar variation 696332 (VCV000696332.18), dbSNP rs200898785, ClinGen allele CA2569605.
Genomic context (GRCh38, chr3:122,262,199, plus strand): 5'-ACCTGTGGACACCTTTCTGAGAGGTCACGAAGAAAGTGGCGACAGGTTTAGCAACAGCTC[G>A]ACAGCCTTCCGACCCCTCTGTACAGGGGATGAGAACATCAGCAGTGTCGAGACCCCTTAC-3'
Protein context (NP_000379.3, residues 378-398): EESGDRFSNS[Ser388=]TAFRPLCTGD

ClinVar aggregate classification (germline): Benign/Likely benign. Review status: criteria provided, multiple submitters, no conflicts (2 of 4 stars). 6 submissions from 6 submitters: Benign (1); Likely benign (4). 1 of the submissions does not count toward it. Last evaluated 2026-01-02.

Conditions:
Familial hypocalciuric hypercalcemia 1. Also called: Hypercalcemia, familial benign type 1. Identifiers: Orphanet 405, Orphanet 93372, MedGen C0342637, MONDO:0007791, OMIM 145980.
Neonatal severe primary hyperparathyroidism. Identifiers: Orphanet 417, MedGen C1832615, MONDO:0009397, OMIM 239200.
Epilepsy, idiopathic generalized, susceptibility to, 8. Identifiers: MedGen C2752062, MONDO:0013032, OMIM 612899.
Autosomal dominant hypocalcemia 1 (HYPOC1). Also called: HYPOCALCEMIA, FAMILIAL. Identifiers: MedGen C3715128, MONDO:0011013, OMIM 601198.
Familial hypocalciuric hypercalcemia (FHH). Also called: Familial benign hypercalcemia. Identifiers: Orphanet 405, MedGen C1809471, MONDO:0018458.
CASR-related disorder. Also called: CASR-related condition.
Nephrolithiasis/nephrocalcinosis. Identifiers: MedGen CN580796.

Allele frequency attached by ClinVar (database versions not stated): gnomAD below 0.00001 and 0.00007; TOPMed 0.00003; gnomAD exomes 0.00019; ExAC 0.00043; 1000 Genomes Project 0.00080; 1000 Genomes Project 30x 0.00094.
gnomAD v4.1: 291 of 1,614,194 alleles (0.018%); highest among the groups gnomAD compares: South Asian, 0.28%; 3 homozygotes.

Submissions (6):

Labcorp Genetics (formerly Invitae), Labcorp
Classification: Benign for Familial hypocalciuric hypercalcemia; Autosomal dominant hypocalcemia 1. Last evaluated: 2026-01-02. Review status: criteria provided, single submitter. Criteria: Invitae Variant Classification Sherloc (09022015). Collection method: clinical testing. Allele origin: germline.

Center for Genomic Medicine, Rigshospitalet, Copenhagen University Hospital
Classification: Likely benign. Last evaluated: 2025-03-04. Review status: criteria provided, single submitter. Criteria: ACMG Guidelines, 2015. Collection method: clinical testing. Allele origin: germline.

Blueprint Genetics
Classification: Likely benign. Last evaluated: 2024-09-02. Review status: criteria provided, single submitter. Criteria: ACMG Guidelines, 2015. Collection method: clinical testing. Allele origin: germline.

Fulgent Genetics
Classification: Likely benign for Familial hypocalciuric hypercalcemia 1; Neonatal severe primary hyperparathyroidism; Autosomal dominant hypocalcemia 1; Epilepsy, idiopathic generalized, susceptibility to, 8. Last evaluated: 2022-01-21. Review status: criteria provided, single submitter. Criteria: ACMG Guidelines, 2015. Collection method: clinical testing. Allele origin: unknown.

Ambry Genetics
Classification: Likely benign for Nephrolithiasis/nephrocalcinosis. Last evaluated: 2021-10-29. Review status: criteria provided, single submitter. Criteria: Ambry Variant Classification Scheme 2023. Collection method: clinical testing. Allele origin: germline.

PreventionGenetics, part of Exact Sciences
Classification: Likely benign for CASR-related condition. Last evaluated: 2024-03-04. Review status: no assertion criteria provided. Collection method: clinical testing. Allele origin: germline. Not counted in ClinVar's aggregate classification.
Comment: This variant is classified as likely benign based on ACMG/AMP sequence variant interpretation guidelines (Richards et al. 2015 PMID: 25741868, with internal and published modifications).